The following is an entry in ClinVar:

NM_001142800.2(EYS):c.832T>C (p.Phe278Leu)

Gene: EYS (EGF-like photoreceptor maintenance factor; minus strand). Cytogenetic location: 6q12.
Variant type: single nucleotide variant.
Coding change: c.832T>C on transcript NM_001142800.2 (MANE Select); coding-DNA position 832, T replaced by C.
Protein change: p.Phe278Leu; replaces phenylalanine 278 with leucine.
Molecular consequence: missense variant.
Genome position (GRCh38, 1-based): chr6:65,490,624, A>G on the plus strand (T>C on the coding strand, the complement: EYS is on the minus strand). VCF-style: chr6-65490624-A-G. GRCh37 (hg19) VCF-style: chr6-66200517-A-G.
Other names: c.832T>C, p.Phe278Leu (NM_001142801.2, NM_001292009.2, NM_198283.2); short protein forms F278L.
Identifiers: ClinVar variation 972105 (VCV000972105.7), dbSNP rs773704807, ClinGen allele CA3877979.

ClinVar aggregate classification (germline): Uncertain significance. Review status: criteria provided, multiple submitters, no conflicts (2 of 4 stars). 4 submissions from 4 submitters: Uncertain significance (3). 1 of the submissions does not count toward it. Last evaluated 2025-06-18.

Conditions:
Retinitis pigmentosa 25 (RP25). Identifiers: Orphanet 791, MedGen C1864446, MONDO:0011272, OMIM 602772.
Inborn genetic diseases. Identifiers: MedGen C0950123, MeSH D030342.

Allele frequency attached by ClinVar (database versions not stated): ExAC 0.00001; gnomAD 0.00001; gnomAD exomes 0.00001; TOPMed 0.00003.
gnomAD v4.1: 13 of 1,611,360 alleles (0.00081%); highest among the groups gnomAD compares: Middle Eastern, 0.12%; no homozygotes.

Submissions (4):

Ambry Genetics
Classification: Uncertain significance for Inborn genetic diseases. Last evaluated: 2025-06-18. Review status: criteria provided, single submitter. Criteria: Ambry Variant Classification Scheme 2023. Collection method: clinical testing. Allele origin: germline.

Blueprint Genetics
Classification: Uncertain significance. Last evaluated: 2022-10-04. Review status: criteria provided, single submitter. Criteria: ACMG Guidelines, 2015. Collection method: clinical testing. Allele origin: germline.

Labcorp Genetics (formerly Invitae), Labcorp
Classification: Uncertain significance. Last evaluated: 2022-06-27. Review status: criteria provided, single submitter. Criteria: Invitae Variant Classification Sherloc (09022015). Collection method: clinical testing. Allele origin: germline.
Comment: This sequence change replaces phenylalanine, which is neutral and non-polar, with leucine, which is neutral and non-polar, at codon 278 of the EYS protein (p.Phe278Leu). This variant is present in population databases (rs773704807, gnomAD 0.002%). This variant has not been reported in the literature in individuals affected with EYS-related conditions. ClinVar contains an entry for this variant (Variation ID: 972105). Algorithms developed to predict the effect of missense changes on protein structure and function output the following: SIFT: "Tolerated"; PolyPhen-2: "Benign"; Align-GVGD: "Class C0". The leucine amino acid residue is found in multiple mammalian species, which suggests that this missense change does not adversely affect protein function. In summary, the available evidence is currently insufficient to determine the role of this variant in disease. Therefore, it has been classified as a Variant of Uncertain Significance.

Natera, Inc.
Classification: Uncertain significance for Retinitis pigmentosa type 25. Last evaluated: 2021-02-03. Review status: no assertion criteria provided. Collection method: clinical testing. Allele origin: germline. Not counted in ClinVar's aggregate classification.